The following is an entry in ClinVar:

NM_000455.5(STK11):c.1244G>A (p.Arg415His)

Gene: STK11 (serine/threonine kinase 11; plus strand). Cytogenetic location: 19p13.3.
Variant type: single nucleotide variant.
Coding change: c.1244G>A on transcript NM_000455.5 (MANE Select); coding-DNA position 1244, G replaced by A.
Protein change: p.Arg415His; replaces arginine 415 with histidine.
Molecular consequence: missense variant.
Genome position (GRCh38, 1-based): chr19:1,226,589, G>A. VCF-style: chr19-1226589-G-A. GRCh37 (hg19) VCF-style: chr19-1226588-G-A.
Other names: short protein forms R415H.
Identifiers: ClinVar variation 458028 (VCV000458028.23), dbSNP rs775978755, ClinGen allele CA046095.
Genomic context (GRCh38, chr19:1,226,589, plus strand): 5'-CAGAGGCGGCGCAGCTGAGCACCAAATCCAGGGCGGAGGGCCGGGCCCCCAACCCTGCCC[G>A]CAAGGCCTGCTCCGCCAGCAGCAAGATCCGCCGGCTGTCGGCCTGCAAGCAGCAGTGAGG-3'
Protein context (NP_000446.1, residues 405-425): RAEGRAPNPA[Arg415His]KACSASSKIR

ClinVar aggregate classification (germline): Conflicting classifications of pathogenicity. Review status: criteria provided, conflicting classifications (1 of 4 stars). 7 submissions from 7 submitters: Uncertain significance (6); Likely benign (1). Last evaluated 2025-12-19.

Conditions:
Hereditary cancer-predisposing syndrome. Also called: Neoplastic Syndromes, Hereditary; Tumor predisposition; Hereditary neoplastic syndrome; Hereditary Cancer Syndrome. Identifiers: Orphanet 140162, MedGen C0027672, MeSH D009386, MONDO:0015356.
Melanoma, cutaneous malignant, susceptibility to, 1 (CMM1). Also called: DYSPLASTIC NEVUS SYNDROME, HEREDITARY; MELANOMA, MALIGNANT; FAMILIAL ATYPICAL MOLE-MALIGNANT MELANOMA SYNDROME; B-K MOLE SYNDROME. Identifiers: Orphanet 618, MedGen C1835047, MONDO:0007963, OMIM 155600.
Peutz-Jeghers syndrome (PJS). Also called: POLYPOSIS, HAMARTOMATOUS INTESTINAL; POLYPS-AND-SPOTS SYNDROME; Peutz-Jeghers polyposis; Periorificial lentiginosis syndrome. Identifiers: Orphanet 2869, MedGen C0031269, MeSH D010580, MONDO:0008280, OMIM 175200.

Allele frequency attached by ClinVar (database versions not stated): ExAC below 0.00001.

Submissions (7):

Ambry Genetics
Classification: Uncertain significance for Hereditary cancer-predisposing syndrome. Last evaluated: 2025-12-19. Review status: criteria provided, single submitter. Criteria: Ambry Variant Classification Scheme 2023. Collection method: clinical testing. Allele origin: germline.
Comment: The p.R415H variant (also known as c.1244G>A), located in coding exon 9 of the STK11 gene, results from a G to A substitution at nucleotide position 1244. The arginine at codon 415 is replaced by histidine, an amino acid with highly similar properties. This amino acid position is highly conserved in available vertebrate species. In addition, this alteration is predicted to be deleterious by in silico analysis. Based on the available evidence, the clinical significance of this variant remains unclear.

Labcorp Genetics (formerly Invitae), Labcorp
Classification: Likely benign for Peutz-Jeghers syndrome. Last evaluated: 2025-11-13. Review status: criteria provided, single submitter. Criteria: Invitae Variant Classification Sherloc (09022015). Collection method: clinical testing. Allele origin: germline.

Baylor Genetics
Classification: Uncertain significance for Melanoma, cutaneous malignant, susceptibility to, 1. Last evaluated: 2023-09-14. Review status: criteria provided, single submitter. Criteria: ACMG Guidelines, 2015. Collection method: clinical testing. Allele origin: unknown.

Quest Diagnostics Nichols Institute San Juan Capistrano
Classification: Uncertain significance. Last evaluated: 2023-08-15. Review status: criteria provided, single submitter. Criteria: Quest Diagnostics criteria. Collection method: clinical testing. Allele origin: unknown.
Comment: In the published literature, this variant has been reported in individuals with breast cancer (PMID: 30287823 (2018)) and colorectal cancer (PMID: 33020649 (2020)). This variant has also been reported as a somatic variant in an individual with lung cancer (PMID: 30885352 (2019)). The frequency of this variant in the general population, 0.00012 (1/171592 chromosomes (Genome Aggregation Database)), is uninformative in the assessment of its pathogenicity. Analysis of this variant using bioinformatics tools for the prediction of the effect of amino acid changes on protein structure and function yielded conflicting predictions that this variant is benign or damaging. Based on the available information, we are unable to determine the clinical significance of this variant.

GeneDx
Classification: Uncertain significance. Last evaluated: 2022-11-01. Review status: criteria provided, single submitter. Criteria: GeneDx Variant Classification Process June 2021. Collection method: clinical testing. Allele origin: germline. Affected: yes.
Comment: Not observed at a significant frequency in large population cohorts (gnomAD); In silico analysis supports that this missense variant does not alter protein structure/function; This variant is associated with the following publications: (PMID: 28900777, 30287823)

Genome-Nilou Lab
Classification: Uncertain significance for Peutz-Jeghers syndrome. Last evaluated: 2021-07-15. Review status: criteria provided, single submitter. Criteria: ACMG Guidelines, 2015. Collection method: clinical testing. Allele origin: germline. Affected: no.

Color Diagnostics, LLC DBA Color Health
Classification: Uncertain significance for Hereditary cancer-predisposing syndrome. Last evaluated: 2020-01-07. Review status: criteria provided, single submitter. Criteria: ACMG Guidelines, 2015. Collection method: clinical testing. Allele origin: germline.
Comment: This missense variant replaces arginine with histidine at codon 415 of the STK11 protein. Computational prediction suggests that this variant may not impact protein structure and function (internally defined REVEL score threshold <= 0.5, PMID: 27666373). Splice site prediction tools suggest that this variant may not impact RNA splicing. To our knowledge, functional studies have not been performed for this variant. This variant has not been reported in individuals affected with hereditary cancer in the literature. This variant has been identified in 1/171592 chromosomes in the general population by the Genome Aggregation Database (gnomAD). The available evidence is insufficient to determine the role of this variant in disease conclusively. Therefore, this variant is classified as a Variant of Uncertain Significance.

Literature cited by the submitters: PubMed 30287823 (cited by Ambry Genetics and Quest Diagnostics Nichols Institute San Juan Capistrano); PubMed 33020649 (cited by Quest Diagnostics Nichols Institute San Juan Capistrano); PubMed 30885352 (cited by Quest Diagnostics Nichols Institute San Juan Capistrano).